The following is an entry in ClinVar:

NM_080916.3(DGUOK):c.189A>C (p.Pro63=)

Gene: DGUOK (deoxyguanosine kinase; plus strand). Cytogenetic location: 2p13.1.
Variant type: single nucleotide variant.
Coding change: c.189A>C on transcript NM_080916.3 (MANE Select); coding-DNA position 189, A replaced by C.
Protein change: p.Pro63=; no amino-acid change (proline 63 retained).
Molecular consequence: synonymous variant. On other transcripts: intron variant (4).
Genome position (GRCh38, 1-based): chr2:73,938,956, A>C. VCF-style: chr2-73938956-A-C. GRCh37 (hg19) VCF-style: chr2-74166083-A-C.
Other names: c.189A>C, p.Pro63= (NM_001318859.2, NM_080918.3); c.-37+6273A>C (NM_001318861.2, NM_001318862.2); c.-36-7763A>C (NM_001318860.2, NM_001318863.2).
Identifiers: ClinVar variation 735409 (VCV000735409.10), dbSNP rs772552133, ClinGen allele CA1718192.

ClinVar aggregate classification (germline): Likely benign. Review status: criteria provided, single submitter (1 of 4 stars). 2 submissions from 2 submitters: Likely benign (1). 1 of the submissions does not count toward it. Last evaluated 2025-10-03.

Conditions:
DGUOK-related disorder. Also called: DGUOK-related condition.

Allele frequency attached by ClinVar (database versions not stated): ExAC 0.00001; gnomAD 0.00001; gnomAD exomes 0.00001 and 0.00002; TOPMed 0.00001.
gnomAD v4.1: 13 of 1,614,024 alleles (0.00081%); highest among the groups gnomAD compares: Admixed American, 0.0067%; no homozygotes.

Submissions (2):

Labcorp Genetics (formerly Invitae), Labcorp
Classification: Likely benign. Last evaluated: 2025-10-03. Review status: criteria provided, single submitter. Criteria: Invitae Variant Classification Sherloc (09022015). Collection method: clinical testing. Allele origin: germline.

PreventionGenetics, part of Exact Sciences
Classification: Likely benign for DGUOK-related condition. Last evaluated: 2022-06-22. Review status: no assertion criteria provided. Collection method: clinical testing. Allele origin: germline. Not counted in ClinVar's aggregate classification.
Comment: This variant is classified as likely benign based on ACMG/AMP sequence variant interpretation guidelines (Richards et al. 2015 PMID: 25741868, with internal and published modifications).